The following is an entry in ClinVar:

ClinVar aggregate classification (germline): Uncertain significance (1 of 4 stars; one submission).

Allele frequency attached by ClinVar (database versions not stated): gnomAD 0.00001; gnomAD exomes 0.00001.
gnomAD v4.1: 8 of 1,614,042 alleles (0.0005%); highest among the groups gnomAD compares: Non-Finnish European, 0.00059%; no homozygotes.

Submission:

Labcorp Genetics (formerly Invitae), Labcorp
Classification: Uncertain significance. Last evaluated: 2022-08-31. Review status: criteria provided, single submitter. Criteria: Invitae Variant Classification Sherloc (09022015). Collection method: clinical testing. Allele origin: germline.
Comment: In summary, the available evidence is currently insufficient to determine the role of this variant in disease. Therefore, it has been classified as a Variant of Uncertain Significance. Algorithms developed to predict the effect of missense changes on protein structure and function are either unavailable or do not agree on the potential impact of this missense change (SIFT: "Deleterious"; PolyPhen-2: "Probably Damaging"; Align-GVGD: "Class C15"). This variant has not been reported in the literature in individuals affected with MTHFS-related conditions. This variant is present in population databases (no rsID available, gnomAD 0.003%). This sequence change replaces arginine, which is basic and polar, with tryptophan, which is neutral and slightly polar, at codon 82 of the MTHFS protein (p.Arg82Trp).

NM_006441.4(MTHFS):c.244C>T (p.Arg82Trp)

Genes: MTHFS (methenyltetrahydrofolate synthetase; minus strand), ST20-MTHFS (ST20-MTHFS readthrough; minus strand). Cytogenetic location: 15q25.1.
Variant type: single nucleotide variant.
Coding change: c.244C>T on transcript NM_006441.4 (MANE Select); coding-DNA position 244, C replaced by T.
Protein change: p.Arg82Trp; replaces arginine 82 with tryptophan.
Molecular consequence: missense variant. On other transcripts: non-coding transcript variant (1).
Genome position (GRCh38, 1-based): chr15:79,889,228, G>A on the plus strand (C>T on the coding strand, the complement: MTHFS is on the minus strand). VCF-style: chr15-79889228-G-A. GRCh37 (hg19) VCF-style: chr15-80181570-G-A.
Other names: c.172C>T, p.Arg58Trp (NM_001199760.2); c.73C>T, p.Arg25Trp (NM_001199758.1); short protein forms R25W, R82W, R58W.
Identifiers: ClinVar variation 1976175 (VCV001976175.5), dbSNP rs1015709949, ClinGen allele CA273991404.